The following is an entry in ClinVar:

ClinVar aggregate classification (germline): Uncertain significance. Review status: criteria provided, multiple submitters, no conflicts (2 of 4 stars). 2 submissions from 2 submitters: Uncertain significance (2). Last evaluated 2025-04-17.

Conditions:
Cardiovascular phenotype. Identifiers: MedGen CN230736.
Long QT syndrome (LQTS). Identifiers: MedGen C0023976, MeSH D008133, MONDO:0002442. Disease mechanism: loss of function. Inheritance: Various modes of inheritance.

Allele frequency attached by ClinVar (database versions not stated): gnomAD exomes 0.00001; gnomAD 0.00002; ExAC 0.00002.
gnomAD v4.1: 24 of 1,613,958 alleles (0.0015%); highest among the groups gnomAD compares: Non-Finnish European, 0.0019%; no homozygotes.

Submissions (2):

Labcorp Genetics (formerly Invitae), Labcorp
Classification: Uncertain significance for Long QT syndrome. Last evaluated: 2025-04-17. Review status: criteria provided, single submitter. Criteria: Invitae Variant Classification Sherloc (09022015). Collection method: clinical testing. Allele origin: germline.
Comment: This sequence change replaces aspartic acid, which is acidic and polar, with valine, which is neutral and non-polar, at codon 2512 of the AKAP9 protein (p.Asp2512Val). This variant is present in population databases (rs752006269, gnomAD 0.004%). This variant has not been reported in the literature in individuals affected with AKAP9-related conditions. ClinVar contains an entry for this variant (Variation ID: 1759401). An algorithm developed to predict the effect of missense changes on protein structure and function (PolyPhen-2) suggests that this variant is likely to be disruptive. In summary, the available evidence is currently insufficient to determine the role of this variant in disease. Therefore, it has been classified as a Variant of Uncertain Significance.

Ambry Genetics
Classification: Uncertain significance for Cardiovascular phenotype. Last evaluated: 2024-04-07. Review status: criteria provided, single submitter. Criteria: Ambry Variant Classification Scheme 2023. Collection method: clinical testing. Allele origin: germline.
Comment: The p.D2512V variant (also known as c.7535A>T), located in coding exon 31 of the AKAP9 gene, results from an A to T substitution at nucleotide position 7535. The aspartic acid at codon 2512 is replaced by valine, an amino acid with highly dissimilar properties. This variant has been detected in a stillbirth cohort in a case with variants in other cardiac-related genes (Sahlin E et al. PLoS ONE, 2019 Jan;14:e0210017). This amino acid position is not well conserved in available vertebrate species. In addition, this alteration is predicted to be tolerated by in silico analysis. Since supporting evidence is limited at this time, the clinical significance of this alteration remains unclear.

Literature cited by the submitters: PubMed 30615648 (cited by Ambry Genetics).

NM_005751.5(AKAP9):c.7535A>T (p.Asp2512Val)

Gene: AKAP9 (A-kinase anchoring protein 9; plus strand). Cytogenetic location: 7q21.2.
Variant type: single nucleotide variant.
Coding change: c.7535A>T on transcript NM_005751.5 (MANE Select); coding-DNA position 7535, A replaced by T.
Protein change: p.Asp2512Val; replaces aspartic acid 2512 with valine.
Molecular consequence: missense variant.
Genome position (GRCh38, 1-based): chr7:92,079,668, A>T. VCF-style: chr7-92079668-A-T. GRCh37 (hg19) VCF-style: chr7-91708982-A-T.
Other names: c.2180A>T, p.Asp727Val (NM_001379277.1); c.7511A>T, p.Asp2504Val (NM_147185.3); short protein forms D2512V, D727V, D2504V.
Identifiers: ClinVar variation 1759401 (VCV001759401.5), dbSNP rs752006269, ClinGen allele CA4337304.
Genomic context (GRCh38, chr7:92,079,668, plus strand): 5'-GTTCCATAATTAATTTGGAAACAAGGTTGCTACAACTTGAGAGCACTGTTAGTGCAAAGG[A>T]CTTAGAACTTACCCAGTGTTATAAACAAATAAAAGACATGCAAGAACAAGGCCAGTTTGA-3'
Protein context (NP_005742.4, residues 2502-2522): LQLESTVSAK[Asp2512Val]LELTQCYKQI